The following is an entry in ClinVar:

ClinVar aggregate classification (germline): Uncertain significance. Review status: criteria provided, multiple submitters, no conflicts (2 of 4 stars). 3 submissions from 3 submitters: Uncertain significance (3). Last evaluated 2026-01-23.

Conditions:
LTBP3-related disorder. Also called: LTBP3-related condition.
Inborn genetic diseases. Identifiers: MedGen C0950123, MeSH D030342.
Brachyolmia-amelogenesis imperfecta syndrome. Also called: PLATYSPONDYLY WITH AMELOGENESIS IMPERFECTA; Tooth agenesis, selective, 6; Dental anomalies and short stature. Identifiers: Orphanet 2899, MedGen C1832594, MONDO:0011018, OMIM 601216. Disease mechanism: loss of function.

Allele frequency attached by ClinVar (database versions not stated): gnomAD 0.00013; TOPMed 0.00013; ExAC 0.00026.
gnomAD v4.1: 222 of 1,609,582 alleles (0.014%); highest among the groups gnomAD compares: Admixed American, 0.028%; no homozygotes.

Submissions (3):

Labcorp Genetics (formerly Invitae), Labcorp
Classification: Uncertain significance for Brachyolmia-amelogenesis imperfecta syndrome. Last evaluated: 2026-01-23. Review status: criteria provided, single submitter. Criteria: Invitae Variant Classification Sherloc (09022015). Collection method: clinical testing. Allele origin: germline.
Comment: This sequence change replaces glycine, which is neutral and non-polar, with serine, which is neutral and polar, at codon 152 of the LTBP3 protein (p.Gly152Ser). This variant is present in population databases (rs200142302, gnomAD 0.04%). This variant has not been reported in the literature in individuals affected with LTBP3-related conditions. ClinVar contains an entry for this variant (Variation ID: 1741422). An algorithm developed to predict the effect of missense changes on protein structure and function (PolyPhen-2) suggests that this variant is likely to be disruptive. In summary, the available evidence is currently insufficient to determine the role of this variant in disease. Therefore, it has been classified as a Variant of Uncertain Significance.

PreventionGenetics, part of Exact Sciences
Classification: Uncertain significance for LTBP3-related condition. Last evaluated: 2025-11-19. Review status: criteria provided, single submitter. Criteria: ACMG Guidelines, 2015. Collection method: clinical testing. Allele origin: germline.
Comment: The LTBP3 c.454G>A variant is predicted to result in the amino acid substitution p.Gly152Ser. To our knowledge, this variant has not been reported in the literature. This variant is reported in 0.043% of alleles in individuals of Latino descent in gnomAD. At this time, the clinical significance of this variant is uncertain due to the absence of conclusive functional and genetic evidence.

Ambry Genetics
Classification: Uncertain significance for Inborn genetic diseases. Last evaluated: 2023-02-08. Review status: criteria provided, single submitter. Criteria: Ambry Variant Classification Scheme 2023. Collection method: clinical testing. Allele origin: germline.

NM_001130144.3(LTBP3):c.454G>A (p.Gly152Ser)

Gene: LTBP3 (latent transforming growth factor beta binding protein 3; minus strand). Cytogenetic location: 11q13.1.
Variant type: single nucleotide variant.
Coding change: c.454G>A on transcript NM_001130144.3 (MANE Select); coding-DNA position 454, G replaced by A.
Protein change: p.Gly152Ser; replaces glycine 152 with serine.
Molecular consequence: missense variant.
Genome position (GRCh38, 1-based): chr11:65,554,258, C>T on the plus strand (G>A on the coding strand, the complement: LTBP3 is on the minus strand). VCF-style: chr11-65554258-C-T. GRCh37 (hg19) VCF-style: chr11-65321729-C-T.
Other names: c.103G>A, p.Gly35Ser (NM_001164266.1); c.454G>A, p.Gly152Ser (NM_021070.4); short protein forms G35S, G152S.
Identifiers: ClinVar variation 1741422 (VCV001741422.8), dbSNP rs200142302, ClinGen allele CA6101232.
Genomic context (GRCh38, chr11:65,554,258, plus strand): 5'-GGGGCGGCAGCGCCCCTGTGGACAGGGCCCCTGTCCTGCTCAGGCCGGGGCCTGAGCCGC[C>T]GGTACCCCCACCGGCTCCTCCTGCGGGCACCTGGCAGAAGCGCCCAGTGAAGTCCGGGGG-3'
Protein context (NP_001123616.1, residues 142-162): VPAGGAGGGT[Gly152Ser]GSGPGLSRTG